The following is an entry in ClinVar:

ClinVar aggregate classification (germline): Uncertain significance (1 of 4 stars; one submission).

Conditions:
Myofibrillar myopathy 5. Also called: Filaminopathy (type); FILAMINOPATHY, AUTOSOMAL DOMINANT. Identifiers: Orphanet 171445, MedGen C1836050, MONDO:0012289, OMIM 609524.
Distal myopathy with posterior leg and anterior hand involvement. Also called: WILLIAMS DISTAL MYOPATHY. Identifiers: Orphanet 63273, MedGen C3279722, MONDO:0013550, OMIM 614065.
Hypertrophic cardiomyopathy 26. Also called: Cardiomyopathy, familial hypertrophic, 26. Identifiers: Orphanet 75249, MedGen C4310749, MONDO:0014883, OMIM 617047.

Allele frequency attached by ClinVar (database versions not stated): gnomAD exomes 0.00002; TOPMed 0.00002; ExAC 0.00003.
gnomAD v4.1: 4 of 1,606,788 alleles (0.00025%); highest among the groups gnomAD compares: East Asian, 0.0067%; no homozygotes.

Submission:

Labcorp Genetics (formerly Invitae), Labcorp
Classification: Uncertain significance for Distal myopathy with posterior leg and anterior hand involvement; Myofibrillar myopathy 5; Hypertrophic cardiomyopathy 26. Last evaluated: 2025-09-22. Review status: criteria provided, single submitter. Criteria: Invitae Variant Classification Sherloc (09022015). Collection method: clinical testing. Allele origin: germline.
Comment: This sequence change falls in intron 40 of the FLNC gene. It does not directly change the encoded amino acid sequence of the FLNC protein. It affects a nucleotide within the consensus splice site. This variant is present in population databases (rs771664894, gnomAD 0.02%). This variant has not been reported in the literature in individuals affected with FLNC-related conditions. ClinVar contains an entry for this variant (Variation ID: 846520). Variants that disrupt the consensus splice site are a relatively common cause of aberrant splicing (PMID: 17576681, 9536098). Algorithms developed to predict the effect of sequence changes on RNA splicing suggest that this variant is not likely to affect RNA splicing. In summary, the available evidence is currently insufficient to determine the role of this variant in disease. Therefore, it has been classified as a Variant of Uncertain Significance.

Literature cited by the submitters: PubMed 17576681; PubMed 9536098.

NM_001458.5(FLNC):c.6727+3G>A

Genes: FLNC-AS1 (FLNC antisense RNA 1; minus strand), FLNC (filamin C; plus strand). Cytogenetic location: 7q32.1.
Variant type: single nucleotide variant.
Coding change: c.6727+3G>A on transcript NM_001458.5 (MANE Select); 3 bases into the intron after coding-DNA position 6727, G replaced by A.
Molecular consequence: intron variant.
Genome position (GRCh38, 1-based): chr7:128,854,219, G>A. VCF-style: chr7-128854219-G-A. GRCh37 (hg19) VCF-style: chr7-128494273-G-A.
Other names: c.6628+3G>A (NM_001127487.2).
Identifiers: ClinVar variation 846520 (VCV000846520.8), dbSNP rs771664894, ClinGen allele CA4476056.